The following is an entry in ClinVar:

ClinVar aggregate classification (germline): Benign/Likely benign. Review status: criteria provided, multiple submitters, no conflicts (2 of 4 stars). 3 submissions from 3 submitters: Benign (2); Likely benign (1). Last evaluated 2026-01-26.

Conditions:
Inborn genetic diseases. Identifiers: MedGen C0950123, MeSH D030342.
Neurodevelopmental disorder with or without hyperkinetic movements and seizures, autosomal dominant. Also called: Intellectual disability, autosomal dominant 8. Identifiers: MedGen C3280282, MONDO:0013655, OMIM 614254.

Allele frequency attached by ClinVar (database versions not stated): gnomAD exomes 0.00016 and 0.00030; ESP Exome Variant Server 0.00023; TOPMed 0.00025; gnomAD 0.00026 and 0.00036; ExAC 0.00038; 1000 Genomes Project 30x 0.00219; 1000 Genomes Project 0.00220.
gnomAD v4.1: 288 of 1,613,496 alleles (0.018%); highest among the groups gnomAD compares: South Asian, 0.21%; 2 homozygotes.

Submissions (3):

Labcorp Genetics (formerly Invitae), Labcorp
Classification: Benign for Neurodevelopmental disorder with or without hyperkinetic movements and seizures, autosomal dominant. Last evaluated: 2026-01-26. Review status: criteria provided, single submitter. Criteria: Invitae Variant Classification Sherloc (09022015). Collection method: clinical testing. Allele origin: germline.

GeneDx
Classification: Benign. Last evaluated: 2016-06-27. Review status: criteria provided, single submitter. Criteria: GeneDx Variant Classification (06012015). Collection method: clinical testing. Allele origin: germline. Affected: yes.
Comment: This variant is considered likely benign or benign based on one or more of the following criteria: it is a conservative change, it occurs at a poorly conserved position in the protein, it is predicted to be benign by multiple in silico algorithms, and/or has population frequency not consistent with disease.

Ambry Genetics
Classification: Likely benign for Inborn genetic diseases. Last evaluated: 2016-05-02. Review status: criteria provided, single submitter. Criteria: Ambry Variant Classification Scheme 2023. Collection method: clinical testing. Allele origin: germline.

NM_007327.4(GRIN1):c.1044C>T (p.Phe348=)

Gene: GRIN1 (glutamate ionotropic receptor NMDA type subunit 1; plus strand). Cytogenetic location: 9q34.3.
Variant type: single nucleotide variant.
Coding change: c.1044C>T on transcript NM_007327.4 (MANE Select); coding-DNA position 1044, C replaced by T.
Protein change: p.Phe348=; no amino-acid change (phenylalanine 348 retained).
Molecular consequence: synonymous variant.
Genome position (GRCh38, 1-based): chr9:137,158,454, C>T. VCF-style: chr9-137158454-C-T. GRCh37 (hg19) VCF-style: chr9-140052906-C-T.
Other names: c.1044C>T, p.Phe348= (NM_000832.7, NM_021569.4); c.1107C>T, p.Phe369= (NM_001185090.2, NM_001185091.2).
Identifiers: ClinVar variation 385917 (VCV000385917.16), dbSNP rs143483243, ClinGen allele CA5360818.